The following is an entry in ClinVar:

NM_022081.6(HPS4):c.2080G>A (p.Gly694Ser)

Gene: HPS4 (HPS4 biogenesis of lysosomal organelles complex 3 subunit 2; minus strand). Cytogenetic location: 22q12.1.
Variant type: single nucleotide variant.
Coding change: c.2080G>A on transcript NM_022081.6 (MANE Select); coding-DNA position 2080, G replaced by A.
Protein change: p.Gly694Ser; replaces glycine 694 with serine.
Molecular consequence: missense variant. On other transcripts: non-coding transcript variant (8), intron variant (2).
Genome position (GRCh38, 1-based): chr22:26,453,280, C>T on the plus strand (G>A on the coding strand, the complement: HPS4 is on the minus strand). VCF-style: chr22-26453280-C-T. GRCh37 (hg19) VCF-style: chr22-26849246-C-T.
Other names: c.2080G>A, p.Gly694Ser (NM_001349896.1, NM_001349898.2, NM_001349899.2); c.2134G>A, p.Gly712Ser (NM_001349900.2, NM_001349901.1); c.1838G>A, p.Arg613Gln (NM_001349902.1, NM_001349903.2); c.*605G>A (NM_001410832.1); c.2065G>A, p.Gly689Ser (NM_152841.2); c.1955+4579G>A (NM_001349905.1, NM_001349904.2); short protein forms G689S, R613Q, G694S, G712S.
Identifiers: ClinVar variation 1967339 (VCV001967339.4), dbSNP rs779739799, ClinGen allele CA10163084.
Genomic context (GRCh38, chr22:26,453,280, plus strand): 5'-TCCTGGGTGCAGTTCAGAGCAAGTTCACCCCGTGCTTCAGCAGCTTCTGCTTTGCTTTGC[C>T]GGAGAGGCTGAAGGCGCCATCCTGAGGGTTTGGGAAGCCGGAGCTCCGTGCTGCAGGTGC-3'
Protein context (NP_071364.4, residues 684-704): NPQDGAFSLS[Gly694Ser]KAKQKLLKHG

ClinVar aggregate classification (germline): Uncertain significance. Review status: criteria provided, multiple submitters, no conflicts (2 of 4 stars). 2 submissions from 2 submitters: Uncertain significance (2). Last evaluated 2023-12-11.

Conditions:
Inborn genetic diseases. Identifiers: MedGen C0950123, MeSH D030342.

Allele frequency attached by ClinVar (database versions not stated): gnomAD 0.00001; gnomAD exomes 0.00001; TOPMed 0.00001; ExAC 0.00002.
gnomAD v4.1: 14 of 1,614,070 alleles (0.00087%); highest among the groups gnomAD compares: East Asian, 0.0089%; no homozygotes.

Submissions (2):

Labcorp Genetics (formerly Invitae), Labcorp
Classification: Uncertain significance. Last evaluated: 2023-12-11. Review status: criteria provided, single submitter. Criteria: Invitae Variant Classification Sherloc (09022015). Collection method: clinical testing. Allele origin: germline.
Comment: This sequence change replaces glycine, which is neutral and non-polar, with serine, which is neutral and polar, at codon 694 of the HPS4 protein (p.Gly694Ser). This variant is present in population databases (rs779739799, gnomAD 0.02%). This variant has not been reported in the literature in individuals affected with HPS4-related conditions. ClinVar contains an entry for this variant (Variation ID: 1967339). Algorithms developed to predict the effect of missense changes on protein structure and function output the following: SIFT: "Not Available"; PolyPhen-2: "Benign"; Align-GVGD: "Not Available". The serine amino acid residue is found in multiple mammalian species, which suggests that this missense change does not adversely affect protein function. In summary, the available evidence is currently insufficient to determine the role of this variant in disease. Therefore, it has been classified as a Variant of Uncertain Significance.

Ambry Genetics
Classification: Uncertain significance for Inborn genetic diseases. Last evaluated: 2022-04-15. Review status: criteria provided, single submitter. Criteria: Ambry Variant Classification Scheme 2023. Collection method: clinical testing. Allele origin: germline.